The following is an entry in ClinVar:

ClinVar aggregate classification (germline): Pathogenic. Review status: criteria provided, multiple submitters, no conflicts (2 of 4 stars). 4 submissions from 4 submitters: Pathogenic (2). 2 of the submissions do not count toward it. Last evaluated 2024-04-06.

Conditions:
Charcot-Marie-Tooth disease. Also called: Charcot-Marie-Tooth Neuropathy; Charcot-Marie-Tooth Hereditary Neuropathy. Identifiers: Orphanet 166, MedGen C0007959, MONDO:0015626.
Charcot-Marie-Tooth disease, type I (CMT1). Also called: Charcot-Marie-Tooth, Type 1; Charcot-Marie-Tooth disease type 1. Identifiers: Orphanet 65753, MedGen C0751036, MONDO:0019011.
Charcot-Marie-Tooth disease type 1B. Also called: CHARCOT-MARIE-TOOTH DISEASE, AUTOSOMAL DOMINANT, WITH FOCALLY FOLDED MYELIN SHEATHS, TYPE 1B; CHARCOT-MARIE-TOOTH DISEASE, SLOW NERVE CONDUCTION TYPE, LINKED TO DUFFY; CHARCOT-MARIE-TOOTH NEUROPATHY, TYPE 1B; HEREDITARY MOTOR AND SENSORY NEUROPATHY I; HEREDITARY MOTOR AND SENSORY NEUROPATHY IB; PERONEAL MUSCULAR ATROPHY. Identifiers: Orphanet 101082, MedGen C0270912, MONDO:0007307, OMIM 118200.

Submissions (4):

Labcorp Genetics (formerly Invitae), Labcorp
Classification: Pathogenic for Charcot-Marie-Tooth disease, type I. Last evaluated: 2024-04-06. Review status: criteria provided, single submitter. Criteria: Invitae Variant Classification Sherloc (09022015). Collection method: clinical testing. Allele origin: germline.
Comment: This sequence change affects a donor splice site in intron 4 of the MPZ gene. RNA analysis indicates that disruption of this splice site induces altered splicing and likely disrupts the C-terminus of the protein. This variant is not present in population databases (gnomAD no frequency). Disruption of this splice site has been observed in individuals with clinical features of Charcot-Marie-Tooth disease (PMID: 17030746, 31827005; Invitae). This variant is also known as c.614+2T>G. ClinVar contains an entry for this variant (Variation ID: 246029). Studies have shown that disruption of this splice site results in skipping of exon 4 and introduces a new termination codon (PMID: 17030746). However the mRNA is not expected to undergo nonsense-mediated decay. For these reasons, this variant has been classified as Pathogenic.

GeneDx
Classification: Pathogenic. Last evaluated: 2015-11-19. Review status: criteria provided, single submitter. Criteria: GeneDx Variant Classification (06012015). Collection method: clinical testing. Allele origin: germline. Affected: yes.
Comment: The c.584+2 T>G splice site variant in the MPZ gene has been previously reported, using alternative nomeclature of c.614+2 T>G, in association with CMT1B, and RT-PCR studies on dermal skin biopsies confirmed that c.584+2 T>G is associated with abnormal splicing (Sabet et al., 2006). This pathogenic variant destroys the canonical splice donor site in intron 4, and is expected to cause abnormal gene splicing. It was not observed in approximately 6,500 individuals of European and African American ancestry in the NHLBI Exome Sequencing Project, indicating it is not a common benign variant in these populations.

OMIM
Classification: Pathogenic for CHARCOT-MARIE-TOOTH DISEASE, TYPE 1B. Last evaluated: 2006-10-10. Review status: no assertion criteria provided. Collection method: literature only. Allele origin: germline. Not counted in ClinVar's aggregate classification.

Inherited Neuropathy Consortium
Classification: Uncertain significance for Charcot-Marie-Tooth disease. Review status: no assertion criteria provided. Collection method: literature only. Allele origin: germline. Affected: yes. Not counted in ClinVar's aggregate classification.

Literature cited by the submitters: PubMed 17030746 (cited by 3 submitters); PubMed 31827005 (cited by Labcorp Genetics (formerly Invitae), Labcorp).

NM_000530.8(MPZ):c.584+2T>G

Gene: MPZ (myelin protein zero; minus strand). Cytogenetic location: 1q23.3.
Variant type: single nucleotide variant.
Coding change: c.584+2T>G on transcript NM_000530.8 (MANE Select); the canonical splice donor site of the intron after coding-DNA position 584, T replaced by G.
Molecular consequence: splice donor variant.
Genome position (GRCh38, 1-based): chr1:161,306,327, A>C on the plus strand (T>G on the coding strand, the complement: MPZ is on the minus strand). VCF-style: chr1-161306327-A-C. GRCh37 (hg19) VCF-style: chr1-161276117-A-C.
Other names: IVS4DS, T-G, +2; c.584+2T>G (NM_001315491.2).
Identifiers: ClinVar variation 246029 (VCV000246029.5), dbSNP rs879254054, ClinGen allele CA10584142.